The following is an entry in ClinVar:

NM_001040142.2(SCN2A):c.5117G>C (p.Cys1706Ser)

Gene: SCN2A (sodium voltage-gated channel alpha subunit 2; plus strand). Cytogenetic location: 2q24.3.
Variant type: single nucleotide variant.
Coding change: c.5117G>C on transcript NM_001040142.2 (MANE Select); coding-DNA position 5117, G replaced by C.
Protein change: p.Cys1706Ser; replaces cysteine 1706 with serine.
Molecular consequence: missense variant.
Genome position (GRCh38, 1-based): chr2:165,388,923, G>C. VCF-style: chr2-165388923-G-C. GRCh37 (hg19) VCF-style: chr2-166245433-G-C.
Other names: c.5117G>C, p.Cys1706Ser (NM_001040143.2, NM_001371246.1, NM_001371247.1 and 1 more transcripts); short protein forms C1706S.
Identifiers: ClinVar variation 495267 (VCV000495267.3), dbSNP rs1553463513, ClinGen allele CA349038243.

ClinVar aggregate classification (germline): Conflicting classifications of pathogenicity. Review status: criteria provided, conflicting classifications (1 of 4 stars). 2 submissions from 2 submitters: Likely pathogenic (1); Uncertain significance (1). Last evaluated 2024-07-01.

Conditions:
Seizures, benign familial infantile, 3 (BFIS3). Also called: CONVULSIONS, BENIGN FAMILIAL INFANTILE, 3; Familial neonatal seizures. Identifiers: Orphanet 140927, Orphanet 306, MedGen C1843140, MONDO:0011904, OMIM 607745.
Developmental and epileptic encephalopathy, 11 (DEE11). Also called: Early infantile epileptic encephalopathy 11. Identifiers: Orphanet 1934, MedGen C3150987, MONDO:0013388, OMIM 613721.

Submissions (2):

Labcorp Genetics (formerly Invitae), Labcorp
Classification: Uncertain significance for Seizures, benign familial infantile, 3; Developmental and epileptic encephalopathy, 11. Last evaluated: 2024-07-01. Review status: criteria provided, single submitter. Criteria: Invitae Variant Classification Sherloc (09022015). Collection method: clinical testing. Allele origin: germline.
Comment: This sequence change replaces cysteine, which is neutral and slightly polar, with serine, which is neutral and polar, at codon 1706 of the SCN2A protein (p.Cys1706Ser). This variant is not present in population databases (gnomAD no frequency). This missense change has been observed in individual(s) with seizures (PMID: 31780880; Invitae). ClinVar contains an entry for this variant (Variation ID: 495267). Advanced modeling of protein sequence and biophysical properties (such as structural, functional, and spatial information, amino acid conservation, physicochemical variation, residue mobility, and thermodynamic stability) performed at Invitae indicates that this missense variant is expected to disrupt SCN2A protein function with a positive predictive value of 95%. In summary, the available evidence is currently insufficient to determine the role of this variant in disease. Therefore, it has been classified as a Variant of Uncertain Significance.

NeuroMeGen, Hospital Clinico Santiago de Compostela
Classification: Likely pathogenic for Seizures, benign familial infantile, 3. Last evaluated: 2018-01-01. Review status: criteria provided, single submitter. Criteria: ACMG Guidelines, 2015. Collection method: clinical testing. Allele origin: unknown. Affected: yes. Observed: 1 heterozygote.

Literature cited by the submitters: PubMed 31780880 (cited by Labcorp Genetics (formerly Invitae), Labcorp).